The following is an entry in ClinVar:

ClinVar aggregate classification (germline): Uncertain significance (1 of 4 stars; one submission).

Conditions:
Tuberous sclerosis 1 (TSC1). Identifiers: Orphanet 805, MedGen C1854465, MONDO:0008612, OMIM 191100.

Submission:

Labcorp Genetics (formerly Invitae), Labcorp
Classification: Uncertain significance for Tuberous sclerosis 1. Last evaluated: 2023-01-17. Review status: criteria provided, single submitter. Criteria: Invitae Variant Classification Sherloc (09022015). Collection method: clinical testing. Allele origin: germline.
Comment: In summary, the available evidence is currently insufficient to determine the role of this variant in disease. Therefore, it has been classified as a Variant of Uncertain Significance. Algorithms developed to predict the effect of sequence changes on RNA splicing suggest that this variant may disrupt the consensus splice site. This variant has not been reported in the literature in individuals affected with TSC1-related conditions. This variant is not present in population databases (gnomAD no frequency). This sequence change falls in intron 17 of the TSC1 gene. It does not directly change the encoded amino acid sequence of the TSC1 protein.

NM_000368.5(TSC1):c.2208+12_2208+29del

Gene: TSC1 (TSC complex subunit 1; minus strand). Cytogenetic location: 9q34.13.
Variant type: Deletion.
Coding change: c.2208+12_2208+29del on transcript NM_000368.5 (MANE Select); bases 12 to 29 of the intron after coding-DNA position 2208, 18 bases deleted (GGAGGGGACAGGTGGAGC).
Molecular consequence: intron variant.
Genome position (GRCh38, 1-based): chr9:132,903,622-132,903,639, GCTCCACCTGTCCCCTCC deleted on the plus strand (GGAGGGGACAGGTGGAGC on the coding strand, the reverse complement: TSC1 is on the minus strand). VCF-style (leftmost placement, unchanged base first): chr9-132903621-AGCTCCACCTGTCCCCTCC-A. GRCh37 (hg19) VCF-style: chr9-135779008-AGCTCCACCTGTCCCCTCC-A.
Other names: c.1842+12_1842+29del (NM_001406620.1, NM_001406625.1, NM_001406621.1 and 2 more transcripts); c.1845+12_1845+29del (NM_001406618.1, NM_001406617.1, NM_001406619.1 and 5 more transcripts); c.2052+12_2052+29del (NM_001406613.1, NM_001406612.1, NM_001406611.1); c.2055+12_2055+29del (NM_001406610.1, NM_001162427.2); c.1254+12_1254+29del (NM_001406627.1, NM_001406628.1); c.1155+12_1155+29del (NM_001406629.1, NM_001406630.1); c.2190+12_2190+29del (NM_001406603.1, NM_001406604.1); c.2205+12_2205+29del (NM_001406609.1, NM_001406597.1, NM_001406600.1 and 4 more transcripts); and 3 more.
Identifiers: ClinVar variation 2829561 (VCV002829561.3), dbSNP rs2538644002, ClinGen allele CA2739264816.